The following is an entry in ClinVar:

NM_014000.3(VCL):c.1354G>A (p.Gly452Arg)

Gene: VCL (vinculin; plus strand). Cytogenetic location: 10q22.2.
Variant type: single nucleotide variant.
Coding change: c.1354G>A on transcript NM_014000.3 (MANE Select); coding-DNA position 1354, G replaced by A.
Protein change: p.Gly452Arg; replaces glycine 452 with arginine.
Molecular consequence: missense variant.
Genome position (GRCh38, 1-based): chr10:74,094,272, G>A. VCF-style: chr10-74094272-G-A. GRCh37 (hg19) VCF-style: chr10-75854030-G-A.
Other names: c.1354G>A, p.Gly452Arg (NM_003373.4); short protein forms G452R.
Identifiers: ClinVar variation 943470 (VCV000943470.13), dbSNP rs1015527957, ClinGen allele CA209702691.

ClinVar aggregate classification (germline): Uncertain significance. Review status: criteria provided, multiple submitters, no conflicts (2 of 4 stars). 3 submissions from 3 submitters: Uncertain significance (3). Last evaluated 2026-09-01.

Conditions:
Dilated cardiomyopathy 1W (CMD1W). Identifiers: Orphanet 154, MedGen C1969639, MONDO:0012667, OMIM 611407.
Hypertrophic cardiomyopathy 15. Identifiers: MedGen C2750459, MONDO:0013200, OMIM 613255.
Cardiovascular phenotype. Identifiers: MedGen CN230736.

Allele frequency attached by ClinVar (database versions not stated): gnomAD exomes 0.00004 and below 0.00001.
gnomAD v4.1: 58 of 1,614,102 alleles (0.0036%); highest among the groups gnomAD compares: Non-Finnish European, 0.0047%; no homozygotes.

Submissions (3):

Ambry Genetics
Classification: Uncertain significance for Cardiovascular phenotype. Last evaluated: 2026-09-01. Review status: criteria provided, single submitter. Criteria: Ambry Variant Classification Scheme 2023. Collection method: clinical testing. Allele origin: germline.

Labcorp Genetics (formerly Invitae), Labcorp
Classification: Uncertain significance for Dilated cardiomyopathy 1W. Last evaluated: 2025-11-12. Review status: criteria provided, single submitter. Criteria: Invitae Variant Classification Sherloc (09022015). Collection method: clinical testing. Allele origin: germline.
Comment: This sequence change replaces glycine, which is neutral and non-polar, with arginine, which is basic and polar, at codon 452 of the VCL protein (p.Gly452Arg). This variant is present in population databases (no rsID available, gnomAD 0.0009%). This variant has not been reported in the literature in individuals affected with VCL-related conditions. ClinVar contains an entry for this variant (Variation ID: 943470). An algorithm developed to predict the effect of missense changes on protein structure and function (PolyPhen-2) suggests that this variant is likely to be disruptive. In summary, the available evidence is currently insufficient to determine the role of this variant in disease. Therefore, it has been classified as a Variant of Uncertain Significance.

Fulgent Genetics
Classification: Uncertain significance for Dilated cardiomyopathy 1W; Hypertrophic cardiomyopathy 15. Last evaluated: 2021-09-14. Review status: criteria provided, single submitter. Criteria: ACMG Guidelines, 2015. Collection method: clinical testing. Allele origin: unknown.